The following is an entry in ClinVar:

NM_001377.3(DYNC2H1):c.10798_10799del (p.Met3600fs)

Gene: DYNC2H1 (dynein cytoplasmic 2 heavy chain 1; plus strand). Cytogenetic location: 11q22.3.
Variant type: Deletion.
Coding change: c.10798_10799del on transcript NM_001377.3 (MANE Select); coding-DNA positions 10798 to 10799, 2 bases deleted (AT; older notation c.10798_10799delAT).
Protein change: p.Met3600fs; shifts the reading frame from methionine 3600.
Molecular consequence: frameshift variant.
Genome position (GRCh38, 1-based): chr11:103,282,215-103,282,216, AT deleted. VCF-style (leftmost placement, unchanged base first): chr11-103282214-CAT-C. GRCh37 (hg19) VCF-style: chr11-103152943-CAT-C.
Other names: c.10819_10820del, p.Met3607fs (NM_001080463.2); short protein forms M3607fs, M3600fs.
Identifiers: ClinVar variation 1916428 (VCV001916428.28), dbSNP rs1565459834, ClinGen allele CA918956878.
Genomic context (GRCh38, chr11:103,282,214, plus strand): 5'-GTGTTCCTATATTTTTATTCAATAGGAATGGGATACGTTTACAGGTGTGGTTGTTGGAGA[CAT>C]GTTACGGAAAGCTGTAAGTTAAAATAACAAAATCTATTTTGCTCTTAAAGAAAATATTTC-3'

ClinVar aggregate classification (germline): Pathogenic/Likely pathogenic. Review status: criteria provided, multiple submitters, no conflicts (2 of 4 stars). 3 submissions from 3 submitters: Pathogenic (2); Likely pathogenic (1). Last evaluated 2024-12-02.

Conditions:
Asphyxiating thoracic dystrophy 3. Also called: POLYDACTYLY WITH NEONATAL CHONDRODYSTROPHY, TYPE I; SHORT-RIB THORACIC DYSPLASIA 3/6 WITH POLYDACTYLY, DIGENIC; Short rib polydactyly syndrome 2B; SHORT-RIB THORACIC DYSPLASIA 3 WITH OR WITHOUT POLYDACTYLY; Saldino-Noonan Syndrome. Identifiers: Orphanet 474, Orphanet 93269, Orphanet 93270, Orphanet 93271, MedGen C0036069, MONDO:0013127, OMIM 613091.
Jeune thoracic dystrophy. Also called: Short-rib thoracic dysplasia; Jeune syndrome; Infantile thoracic dystrophy; Thoracic pelvic phalangeal dystrophy; Jeune's syndrome; Chondroectodermal dysplasia-like syndrome. Identifiers: Orphanet 474, MedGen C0265275, MONDO:0018770.

Allele frequency attached by ClinVar (database versions not stated): gnomAD exomes below 0.00001.

Submissions (3):

Labcorp Genetics (formerly Invitae), Labcorp
Classification: Pathogenic for Jeune thoracic dystrophy. Last evaluated: 2024-12-02. Review status: criteria provided, single submitter. Criteria: Invitae Variant Classification Sherloc (09022015). Collection method: clinical testing. Allele origin: germline.
Comment: This sequence change creates a premature translational stop signal (p.Met3607Valfs*5) in the DYNC2H1 gene. It is expected to result in an absent or disrupted protein product. Loss-of-function variants in DYNC2H1 are known to be pathogenic (PMID: 23339108, 32753734, 33755199). This variant is not present in population databases (gnomAD no frequency). This variant has not been reported in the literature in individuals affected with DYNC2H1-related conditions. ClinVar contains an entry for this variant (Variation ID: 1916428). For these reasons, this variant has been classified as Pathogenic.

Fulgent Genetics
Classification: Likely pathogenic for Asphyxiating thoracic dystrophy 3. Last evaluated: 2024-03-11. Review status: criteria provided, single submitter. Criteria: ACMG Guidelines, 2015. Collection method: clinical testing. Allele origin: germline.

CeGaT Center for Human Genetics Tuebingen
Classification: Pathogenic. Last evaluated: 2024-01-01. Review status: criteria provided, single submitter. Criteria: CeGaT Center For Human Genetics Tuebingen Variant Classification Criteria Version 2. Collection method: clinical testing. Allele origin: germline. Affected: yes. Observed: 1 variant allele.
Comment: DYNC2H1: PVS1, PM2

Literature cited by the submitters: PubMed 23339108 (cited by Labcorp Genetics (formerly Invitae), Labcorp); PubMed 32753734 (cited by Labcorp Genetics (formerly Invitae), Labcorp); PubMed 33755199 (cited by Labcorp Genetics (formerly Invitae), Labcorp).